The following is an entry in ClinVar:

ClinVar aggregate classification (germline): Uncertain significance. Review status: criteria provided, multiple submitters, no conflicts (2 of 4 stars). 2 submissions from 2 submitters: Uncertain significance (2). Last evaluated 2025-02-11.

Conditions:
Glycine encephalopathy. Also called: Non-ketotic hyperglycinemia; Nonketotic hyperglycinemia. Identifiers: Orphanet 407, MedGen C0751748, MONDO:0011612, HP:0008288.
Inborn genetic diseases. Identifiers: MedGen C0950123, MeSH D030342.

Allele frequency attached by ClinVar (database versions not stated): TOPMed below 0.00001; gnomAD 0.00001; ExAC 0.00002; gnomAD exomes 0.00002; ESP Exome Variant Server 0.00008.
gnomAD v4.1: 28 of 1,614,052 alleles (0.0017%); highest among the groups gnomAD compares: Middle Eastern, 0.016%; no homozygotes.

Submissions (2):

Ambry Genetics
Classification: Uncertain significance for Inborn genetic diseases. Last evaluated: 2025-02-11. Review status: criteria provided, single submitter. Criteria: Ambry Variant Classification Scheme 2023. Collection method: clinical testing. Allele origin: germline.

Labcorp Genetics (formerly Invitae), Labcorp
Classification: Uncertain significance for Glycine encephalopathy. Last evaluated: 2022-07-12. Review status: criteria provided, single submitter. Criteria: Invitae Variant Classification Sherloc (09022015). Collection method: clinical testing. Allele origin: germline.
Comment: This sequence change replaces glutamic acid, which is acidic and polar, with lysine, which is basic and polar, at codon 122 of the AMT protein (p.Glu122Lys). This variant is present in population databases (rs374757610, gnomAD 0.006%). This variant has not been reported in the literature in individuals affected with AMT-related conditions. Advanced modeling of protein sequence and biophysical properties (such as structural, functional, and spatial information, amino acid conservation, physicochemical variation, residue mobility, and thermodynamic stability) performed at Invitae indicates that this missense variant is not expected to disrupt AMT protein function. In summary, the available evidence is currently insufficient to determine the role of this variant in disease. Therefore, it has been classified as a Variant of Uncertain Significance.

NM_000481.4(AMT):c.364G>A (p.Glu122Lys)

Gene: AMT (aminomethyltransferase; minus strand). Cytogenetic location: 3p21.31.
Variant type: single nucleotide variant.
Coding change: c.364G>A on transcript NM_000481.4 (MANE Select); coding-DNA position 364, G replaced by A.
Protein change: p.Glu122Lys; replaces glutamic acid 122 with lysine.
Molecular consequence: missense variant. On other transcripts: non-coding transcript variant (1), intron variant (1).
Genome position (GRCh38, 1-based): chr3:49,420,318, C>T on the plus strand (G>A on the coding strand, the complement: AMT is on the minus strand). VCF-style: chr3-49420318-C-T. GRCh37 (hg19) VCF-style: chr3-49457751-C-T.
Other names: c.196G>A, p.Glu66Lys (NM_001164711.2); c.364G>A, p.Glu122Lys (NM_001164712.2); c.340-530G>A (NM_001164710.2); short protein forms E122K, E66K.
Identifiers: ClinVar variation 2168318 (VCV002168318.2), dbSNP rs374757610, ClinGen allele CA2398383.